The following is an entry in ClinVar:

ClinVar aggregate classification (germline): Uncertain significance. Review status: criteria provided, multiple submitters, no conflicts (2 of 4 stars). 5 submissions from 5 submitters: Uncertain significance (5). Last evaluated 2026-01-26.

Conditions:
Bone mineral density quantitative trait locus 1 (BMND1). Identifiers: MedGen C1866079, OMIM 601884.
Exudative vitreoretinopathy 4 (EVR4). Identifiers: Orphanet 891, MedGen C1866176, MONDO:0011151, OMIM 601813.
Autosomal dominant osteopetrosis 1 (OPTA1). Also called: OSTEOPETROSIS, AUTOSOMAL DOMINANT, TYPE I. Identifiers: Orphanet 2783, MedGen C1843330, MONDO:0011877, OMIM 607634.
Worth disease. Also called: OSTEOSCLEROSIS, AUTOSOMAL DOMINANT; Autosomal dominant osteosclerosis, Worth type; ENDOSTEAL HYPEROSTOSIS, AUTOSOMAL DOMINANT. Identifiers: Orphanet 2790, MedGen C0432273, MONDO:0007764, OMIM 144750.
Polycystic liver disease 4 with or without kidney cysts. Identifiers: MedGen C4693479, MONDO:0044327, OMIM 617875.
Osteoporosis with pseudoglioma (OPPG). Also called: osteoporosis-pseudoglioma syndrome. Identifiers: Orphanet 2788, MedGen C0432252, MONDO:0009820, OMIM 259770.

Allele frequency attached by ClinVar (database versions not stated): gnomAD exomes below 0.00001; TOPMed below 0.00001; gnomAD 0.00001.
gnomAD v4.1: 8 of 1,613,524 alleles (0.0005%); highest among the groups gnomAD compares: Middle Eastern, 0.016%; no homozygotes.

Submissions (5):

3billion
Classification: Uncertain significance for Polycystic liver disease 4 with or without kidney cysts. Last evaluated: 2026-01-26. Review status: criteria provided, single submitter. Criteria: ACMG Guidelines, 2015. Collection method: clinical testing. Allele origin: germline. Affected: yes.
Comment: The variant is observed at an extremely low frequency in the gnomAD v4.1.0 dataset (total allele frequency: <0.001%). Predicted Consequence/Location: Missense variant In silico tool predictions suggest damaging effect of the variant on gene or gene product [REVEL: 0.83 (>=0.6, sensitivity 0.68 and specificity 0.92); 3Cnet: 0.99 (> 0.75, sensitivity 0.96 and precision 0.92)]. The variant has been reported as of uncertain significance (ClinVar ID: VCV001398671). Different missense changes at the same codon have been reported as of uncertain significance (ClinVar ID: VCV001053130). Therefore, this variant is classified as VUS according to the recommendation of ACMG/AMP guideline.

Labcorp Genetics (formerly Invitae), Labcorp
Classification: Uncertain significance. Last evaluated: 2025-11-03. Review status: criteria provided, single submitter. Criteria: Invitae Variant Classification Sherloc (09022015). Collection method: clinical testing. Allele origin: germline.
Comment: This sequence change replaces arginine, which is basic and polar, with histidine, which is basic and polar, at codon 439 of the LRP5 protein (p.Arg439His). This variant is not present in population databases (gnomAD no frequency). This variant has not been reported in the literature in individuals affected with LRP5-related conditions. ClinVar contains an entry for this variant (Variation ID: 1398671). Invitae Evidence Modeling of protein sequence and biophysical properties (such as structural, functional, and spatial information, amino acid conservation, physicochemical variation, residue mobility, and thermodynamic stability) has been performed for this missense variant. However, the output from this modeling did not meet the statistical confidence thresholds required to predict the impact of this variant on LRP5 protein function. In summary, the available evidence is currently insufficient to determine the role of this variant in disease. Therefore, it has been classified as a Variant of Uncertain Significance.

Fulgent Genetics
Classification: Uncertain significance for Worth disease; Osteoporosis with pseudoglioma; Exudative vitreoretinopathy 4; Bone mineral density quantitative trait locus 1; Autosomal dominant osteopetrosis 1; Polycystic liver disease 4 with or without kidney cysts. Last evaluated: 2024-06-04. Review status: criteria provided, single submitter. Criteria: ACMG Guidelines, 2015. Collection method: clinical testing. Allele origin: germline.

GeneDx
Classification: Uncertain significance. Last evaluated: 2024-05-16. Review status: criteria provided, single submitter. Criteria: GeneDx Variant Classification Process June 2021. Collection method: clinical testing. Allele origin: germline. Affected: yes.
Comment: Not observed at significant frequency in large population cohorts (gnomAD); In silico analysis supports that this missense variant has a deleterious effect on protein structure/function; Has not been previously published as pathogenic or benign to our knowledge

Blueprint Genetics
Classification: Uncertain significance. Last evaluated: 2021-08-04. Review status: criteria provided, single submitter. Criteria: ACMG Guidelines, 2015. Collection method: clinical testing. Allele origin: germline.

NM_002335.4(LRP5):c.1316G>A (p.Arg439His)

Gene: LRP5 (LDL receptor related protein 5; plus strand). Cytogenetic location: 11q13.2.
Variant type: single nucleotide variant.
Coding change: c.1316G>A on transcript NM_002335.4 (MANE Select); coding-DNA position 1316, G replaced by A.
Protein change: p.Arg439His; replaces arginine 439 with histidine.
Molecular consequence: missense variant. On other transcripts: 5 prime UTR variant (1).
Genome position (GRCh38, 1-based): chr11:68,386,616, G>A. VCF-style: chr11-68386616-G-A. GRCh37 (hg19) VCF-style: chr11-68154084-G-A.
Other names: c.-450G>A (NM_001291902.2); c.1316G>A (NM_002335.2); short protein forms R439H.
Identifiers: ClinVar variation 1398671 (VCV001398671.10), dbSNP rs201547952, ClinGen allele CA224252871.